The following is an entry in ClinVar:

ClinVar aggregate classification (germline): Uncertain significance (1 of 4 stars; one submission).

Submission:

GeneDx
Classification: Uncertain significance. Last evaluated: 2025-12-02. Review status: criteria provided, single submitter. Criteria: GeneDx Variant Classification Process June 2021. Collection method: clinical testing. Allele origin: germline.
Comment: Not observed at significant frequency in large population cohorts (gnomAD); In silico analysis supports that this missense variant has a deleterious effect on protein structure/function; Has not been previously published as pathogenic or benign to our knowledge

NM_032217.5(ANKRD17):c.4303C>T (p.His1435Tyr)

Gene: ANKRD17 (ankyrin repeat domain 17; minus strand). Cytogenetic location: 4q13.3.
Variant type: single nucleotide variant.
Coding change: c.4303C>T on transcript NM_032217.5 (MANE Select); coding-DNA position 4303, C replaced by T.
Protein change: p.His1435Tyr; replaces histidine 1435 with tyrosine.
Molecular consequence: missense variant.
Genome position (GRCh38, 1-based): chr4:73,113,890, G>A on the plus strand (C>T on the coding strand, the complement: ANKRD17 is on the minus strand). VCF-style: chr4-73113890-G-A. GRCh37 (hg19) VCF-style: chr4-73979607-G-A.
Other names: c.4300C>T, p.His1434Tyr (NM_015574.2); c.3550C>T, p.His1184Tyr (NM_198889.3); c.3964C>T, p.His1322Tyr (NM_001286771.3); short protein forms H1184Y, H1322Y, H1434Y, H1435Y.
Identifiers: ClinVar variation 4074617 (VCV004074617.2).